The following is an entry in ClinVar:

NM_138295.5(PKD1L1):c.5554G>A (p.Ala1852Thr)

Gene: PKD1L1 (polycystin 1 like 1, transient receptor potential channel interacting; minus strand). Cytogenetic location: 7p12.3.
Variant type: single nucleotide variant.
Coding change: c.5554G>A on transcript NM_138295.5 (MANE Select); coding-DNA position 5554, G replaced by A.
Protein change: p.Ala1852Thr; replaces alanine 1852 with threonine.
Molecular consequence: missense variant.
Genome position (GRCh38, 1-based): chr7:47,839,661, C>T on the plus strand (G>A on the coding strand, the complement: PKD1L1 is on the minus strand). VCF-style: chr7-47839661-C-T. GRCh37 (hg19) VCF-style: chr7-47879259-C-T.
Other names: short protein forms A1852T.
Identifiers: ClinVar variation 3932903 (VCV003932903.2).

ClinVar aggregate classification (germline): Conflicting classifications of pathogenicity. Review status: criteria provided, conflicting classifications (1 of 4 stars). 2 submissions from 2 submitters: Uncertain significance (1); Likely benign (1). Last evaluated 2025-09-02.

Conditions:
PKD1L1-related disorder. Also called: PKD1L1-related condition.
Inborn genetic diseases. Identifiers: MedGen C0950123, MeSH D030342.

gnomAD v4.1: 13 of 1,562,960 alleles (0.00083%); highest among the groups gnomAD compares: East Asian, 0.0024%; no homozygotes.

Submissions (2):

PreventionGenetics, part of Exact Sciences
Classification: Uncertain significance for PKD1L1-related condition. Last evaluated: 2025-09-02. Review status: criteria provided, single submitter. Criteria: ACMG Guidelines, 2015. Collection method: clinical testing. Allele origin: germline.
Comment: The PKD1L1 c.5554G>A variant is predicted to result in the amino acid substitution p.Ala1852Thr. To our knowledge, this variant has not been reported in the literature. This variant is reported in 0.0071% of alleles in individuals of East Asian descent in gnomAD. At this time, the clinical significance of this variant is uncertain due to the absence of conclusive functional and genetic evidence.

Ambry Genetics
Classification: Likely benign for Inborn genetic diseases. Last evaluated: 2025-05-21. Review status: criteria provided, single submitter. Criteria: Ambry Variant Classification Scheme 2023. Collection method: clinical testing. Allele origin: germline.